The following is an entry in ClinVar:

ClinVar aggregate classification (germline): Conflicting classifications of pathogenicity. Review status: criteria provided, conflicting classifications (1 of 4 stars). 6 submissions from 4 submitters: Uncertain significance (3); Likely benign (2). 1 of the submissions does not count toward it. Last evaluated 2026-01-20.

Conditions:
NPHP1-related disorder. Also called: NPHP1-related condition; NPHP1-related disorders.
Nephronophthisis. Also called: Juvenile Nephronophthisis. Identifiers: Orphanet 655, MedGen C0687120, MONDO:0019005, HP:0000090.
Joubert syndrome with renal defect. Also called: JOUBERT SYNDROME 4. Identifiers: Orphanet 220497, MedGen C1846790, MONDO:0012308, OMIM 609583.
Senior-Loken syndrome 1 (SLSN1). Also called: JUVENILE NEPHRONOPHTHISIS WITH LEBER AMAUROSIS. Identifiers: Orphanet 3156, MedGen C4551559, MONDO:0009962, OMIM 266900.
Nephronophthisis 1 (NPHP1). Also called: Nephronophthisis familial juvenile. Identifiers: Orphanet 655, Orphanet 93592, MedGen C1855681, MONDO:0009728, OMIM 256100.

Allele frequency attached by ClinVar (database versions not stated): gnomAD 0.00001 and 0.00003; gnomAD exomes 0.00004 and 0.00006; TOPMed 0.00004; ExAC 0.00007.
gnomAD v4.1: 67 of 1,613,766 alleles (0.0042%); highest among the groups gnomAD compares: East Asian, 0.15%; no homozygotes.

Submissions (6):

Labcorp Genetics (formerly Invitae), Labcorp
Classification: Likely benign for Nephronophthisis. Last evaluated: 2026-01-20. Review status: criteria provided, single submitter. Criteria: Invitae Variant Classification Sherloc (09022015). Collection method: clinical testing. Allele origin: germline.

Blueprint Genetics
Classification: Likely benign. Last evaluated: 2024-10-03. Review status: criteria provided, single submitter. Criteria: ACMG Guidelines, 2015. Collection method: clinical testing. Allele origin: germline.

Illumina Laboratory Services, Illumina
Classification: Uncertain significance for Joubert syndrome with renal defect. Last evaluated: 2017-04-27. Review status: criteria provided, single submitter. Criteria: ICSL Variant Classification Criteria 13 December 2019. Collection method: clinical testing. Allele origin: germline.

Illumina Laboratory Services, Illumina
Classification: Uncertain significance for Senior-Loken syndrome 1. Last evaluated: 2017-04-27. Review status: criteria provided, single submitter. Criteria: ICSL Variant Classification Criteria 13 December 2019. Collection method: clinical testing. Allele origin: germline.

Illumina Laboratory Services, Illumina
Classification: Uncertain significance for Nephronophthisis 1. Last evaluated: 2017-04-27. Review status: criteria provided, single submitter. Criteria: ICSL Variant Classification Criteria 13 December 2019. Collection method: clinical testing. Allele origin: germline.

PreventionGenetics, part of Exact Sciences
Classification: Likely benign for NPHP1-related condition. Last evaluated: 2022-05-20. Review status: no assertion criteria provided. Collection method: clinical testing. Allele origin: germline. Not counted in ClinVar's aggregate classification.
Comment: This variant is classified as likely benign based on ACMG/AMP sequence variant interpretation guidelines (Richards et al. 2015 PMID: 25741868, with internal and published modifications).

NM_001128178.3(NPHP1):c.240G>A (p.Gln80=)

Gene: NPHP1 (nephrocystin 1; minus strand). Cytogenetic location: 2q13.
Variant type: single nucleotide variant.
Coding change: c.240G>A on transcript NM_001128178.3 (MANE Select); coding-DNA position 240, G replaced by A.
Protein change: p.Gln80=; no amino-acid change (glutamine 80 retained).
Molecular consequence: synonymous variant. On other transcripts: intron variant (1).
Genome position (GRCh38, 1-based): chr2:110,178,512, C>T on the plus strand (G>A on the coding strand, the complement: NPHP1 is on the minus strand). VCF-style: chr2-110178512-C-T. GRCh37 (hg19) VCF-style: chr2-110936089-C-T.
Other names: c.240G>A, p.Gln80= (NM_000272.5, NM_001374256.1, NM_001374257.1 and 1 more transcripts); c.144-8514G>A (NM_001128179.3).
Identifiers: ClinVar variation 894668 (VCV000894668.15), dbSNP rs767719020, ClinGen allele CA1827461.
Genomic context (GRCh38, chr2:110,178,512, plus strand): 5'-AGCAAGGCCCTGCAGTTGTTGGGTAAGCTTGTCCAAAAGAGTATGCTCCTCTTCTTTTCT[C>T]TGATTATAGTTTGCAACAGGTGCAGATTCATCAGCCTATGAGAGAATATAGGTCTATTTC-3'
Protein context (NP_001121650.1, residues 70-90): DESAPVANYN[Gln80=]RKEEEHTLLD